The following is an entry in ClinVar:

ClinVar aggregate classification (germline): Pathogenic. Review status: criteria provided, multiple submitters, no conflicts (2 of 4 stars). 2 submissions from 2 submitters: Pathogenic (2). Last evaluated 2026-09-09.

Conditions:
Colorectal cancer, hereditary nonpolyposis, type 7. Identifiers: Orphanet 144, MedGen C1858380, MONDO:0013725, OMIM 614385.

Allele frequency attached by ClinVar (database versions not stated): TOPMed below 0.00001; gnomAD 0.00001; ExAC 0.00002.

Submissions (2):

Myriad Genetics, Inc.
Classification: Pathogenic for Colorectal cancer, hereditary nonpolyposis, type 7. Last evaluated: 2026-09-09. Review status: criteria provided, single submitter. Criteria: Myriad Autosomal Dominant, Autosomal Recessive and X-Linked Classification Criteria (2023). Collection method: clinical testing. Allele origin: unknown.
Comment: This variant is considered pathogenic. This variant creates a frameshift predicted to result in premature protein truncation.

Ambry Genetics
Classification: Pathogenic. Last evaluated: 2026-06-04. Review status: criteria provided, single submitter. Criteria: Ambry Variant Classification Scheme 2023. Collection method: clinical testing. Allele origin: germline.
Comment: The c.2735delG pathogenic mutation, located in coding exon 1 of the MLH3 gene, results from a deletion of one nucleotide at nucleotide position 2735, causing a translational frameshift with a predicted alternate stop codon (p.C912Sfs*4). This alteration is expected to result in loss of function by premature protein truncation or nonsense-mediated mRNA decay. As such, this alteration is interpreted as a disease-causing mutation.

NM_001040108.2(MLH3):c.2735del (p.Cys912fs)

Gene: MLH3 (mutL homolog 3; minus strand). Cytogenetic location: 14q24.3.
Variant type: Deletion.
Coding change: c.2735del on transcript NM_001040108.2 (MANE Select); coding-DNA position 2735, one base deleted (G; older notation c.2735delG).
Protein change: p.Cys912fs; shifts the reading frame from cysteine 912.
Molecular consequence: frameshift variant.
Genome position (GRCh38, 1-based): chr14:75,046,921, C deleted on the plus strand (G on the coding strand, the reverse complement: MLH3 is on the minus strand). VCF-style (leftmost placement, unchanged base first): chr14-75046920-GC-G. GRCh37 (hg19) VCF-style: chr14-75513623-GC-G.
Other names: c.2735del, p.Cys912fs (NM_014381.3); short protein forms C912fs.
Identifiers: ClinVar variation 1795327 (VCV001795327.5), dbSNP rs780845602, ClinGen allele CA7275647.
Genomic context (GRCh38, chr14:75,046,920, plus strand): 5'-ATTCTCTGTTTTTTCATGCTTGTTGTTAAATAACATACAAAAATCTTGTGTTAACACACT[GC>G]ACAACTTGCTGTCTTTCCTACTGGAATCTGAATTTGGAAGTTCATTAAAACGACTCATCA-3'